The following is an entry in ClinVar:

NM_000350.3(ABCA4):c.1726G>C (p.Asp576His)

Gene: ABCA4 (ATP binding cassette subfamily A member 4; minus strand). Cytogenetic location: 1p22.1.
Variant type: single nucleotide variant.
Coding change: c.1726G>C on transcript NM_000350.3 (MANE Select); coding-DNA position 1726, G replaced by C.
Protein change: p.Asp576His; replaces aspartic acid 576 with histidine.
Molecular consequence: missense variant.
Genome position (GRCh38, 1-based): chr1:94,063,146, C>G on the plus strand (G>C on the coding strand, the complement: ABCA4 is on the minus strand). VCF-style: chr1-94063146-C-G. GRCh37 (hg19) VCF-style: chr1-94528702-C-G.
Other names: c.1726G>C, p.Asp576His (NM_001425324.1); short protein forms D576H.
Identifiers: ClinVar variation 865882 (VCV000865882.12), dbSNP rs374224955, ClinGen allele CA958448.

ClinVar aggregate classification (germline): Pathogenic/Likely pathogenic. Review status: criteria provided, multiple submitters, no conflicts (2 of 4 stars). 4 submissions from 4 submitters: Pathogenic (2); Likely pathogenic (2). Last evaluated 2026-01-06.

Conditions:
ABCA4-related disorder. Also called: ABCA4-related condition; ABCA4-related disorders. Identifiers: MedGen CN239167.
Severe early-childhood-onset retinal dystrophy (STGD1). Also called: Stargardt macular dystrophy; Juvenile onset macular degeneration; Stargardt disease 1; MACULAR DYSTROPHY WITH FLECKS, TYPE 1; STGD. Identifiers: Orphanet 364055, Orphanet 827, MedGen C1855465, MeSH D000080362, MONDO:0009549, OMIM 248200.
Cone-rod dystrophy 3 (CORD3). Identifiers: Orphanet 1872, MedGen C1858806, MONDO:0011395, OMIM 604116.
Retinitis pigmentosa 19 (RP19). Also called: ABCA4-Related Retinitis Pigmentosa. Identifiers: Orphanet 791, MedGen C1866422, MONDO:0011137, OMIM 601718.
Age related macular degeneration 2. Also called: MACULAR DEGENERATION, SENILE; MACULOPATHY, AGE-RELATED, 2; MACULOPATHY, AGE-RELATED. Identifiers: MedGen C3495438, MONDO:0007932, OMIM 153800.

Allele frequency attached by ClinVar (database versions not stated): gnomAD 0.00001; gnomAD exomes 0.00001; TOPMed 0.00002; ExAC 0.00001; ESP Exome Variant Server 0.00008.
gnomAD v4.1: 11 of 1,614,072 alleles (0.00068%); highest among the groups gnomAD compares: African/African-American, 0.0013%; no homozygotes.

Submissions (4):

Labcorp Genetics (formerly Invitae), Labcorp
Classification: Pathogenic. Last evaluated: 2026-01-06. Review status: criteria provided, single submitter. Criteria: Invitae Variant Classification Sherloc (09022015). Collection method: clinical testing. Allele origin: germline.
Comment: This sequence change replaces aspartic acid, which is acidic and polar, with histidine, which is basic and polar, at codon 576 of the ABCA4 protein (p.Asp576His). This variant is present in population databases (rs374224955, gnomAD 0.004%). This missense change has been observed in individual(s) with Stargardt disease (PMID: 23143460, 29925512; internal data). ClinVar contains an entry for this variant (Variation ID: 865882). Invitae Evidence Modeling of protein sequence and biophysical properties (such as structural, functional, and spatial information, amino acid conservation, physicochemical variation, residue mobility, and thermodynamic stability) indicates that this missense variant is expected to disrupt ABCA4 protein function with a positive predictive value of 95%. For these reasons, this variant has been classified as Pathogenic.

PreventionGenetics, part of Exact Sciences
Classification: Likely pathogenic for ABCA4-related condition. Last evaluated: 2025-10-17. Review status: criteria provided, single submitter. Criteria: ACMG Guidelines, 2015. Collection method: clinical testing. Allele origin: germline.
Comment: The ABCA4 c.1726G>C variant is predicted to result in the amino acid substitution p.Asp576His. This variant was reported, along with another potential causative variant in the same gene, in individuals with retinal disease (supplementary data, Fujinami et al. 2018. PubMed ID: 29925512; Lynn et al. 2022. PubMed ID: 36672815; supplementary data, Lin et al. 2024. PubMed ID: 38219857; Downes et al. 2012. PubMed ID: 23143460; supplementary data, Pfau et al. 2022. PubMed ID: 35076026). This variant was also reported in large cohorts of individuals with retinal disease (Downs et al. 2007. PubMed ID: 17296903). This variant is reported in 0.0023% of alleles in individuals of European (Non-Finnish) descent in gnomAD. Taken together, we classify this variant as likely pathogenic.

Fulgent Genetics
Classification: Likely pathogenic for Age related macular degeneration 2; Severe early-childhood-onset retinal dystrophy; Retinitis pigmentosa 19; Cone-rod dystrophy 3. Last evaluated: 2024-02-14. Review status: criteria provided, single submitter. Criteria: ACMG Guidelines, 2015. Collection method: clinical testing. Allele origin: germline.

Blueprint Genetics
Classification: Pathogenic for ABCA4-related disorders. Last evaluated: 2022-11-10. Review status: criteria provided, single submitter. Criteria: ACMG Guidelines, 2015. Collection method: clinical testing. Allele origin: germline. Affected: yes. Observed: 4 variant alleles.

Literature cited by the submitters: PubMed 23143460 (cited by Labcorp Genetics (formerly Invitae), Labcorp); PubMed 29925512 (cited by Labcorp Genetics (formerly Invitae), Labcorp).